The following is an entry in ClinVar:

ClinVar aggregate classification (germline): Uncertain significance (1 of 4 stars; one submission).

Submission:

CeGaT Center for Human Genetics Tuebingen
Classification: Uncertain significance. Last evaluated: 2025-04-01. Review status: criteria provided, single submitter. Criteria: CeGaT Center For Human Genetics Tuebingen Variant Classification Criteria Version 2. Collection method: clinical testing. Allele origin: germline. Affected: yes. Observed: 1 variant allele.
Comment: PIGG: PM2, PM3:Supporting

NM_001127178.3(PIGG):c.1984C>G (p.Leu662Val)

Gene: PIGG (phosphatidylinositol glycan anchor biosynthesis class G (EMM blood group); plus strand). Cytogenetic location: 4p16.3.
Variant type: single nucleotide variant.
Coding change: c.1984C>G on transcript NM_001127178.3 (MANE Select); coding-DNA position 1984, C replaced by G.
Protein change: p.Leu662Val; replaces leucine 662 with valine.
Molecular consequence: missense variant. On other transcripts: non-coding transcript variant (6).
Genome position (GRCh38, 1-based): chr4:523,828, C>G. VCF-style: chr4-523828-C-G. GRCh37 (hg19) VCF-style: chr4-517617-C-G.
Other names: c.1717C>G, p.Leu573Val (NM_001289051.2, NM_001345986.2); c.1585C>G, p.Leu529Val (NM_001289052.2); c.1693C>G, p.Leu565Val (NM_001345987.2); c.955C>G, p.Leu319Val (NM_001345988.2); c.451C>G, p.Leu151Val (NM_001345990.2, NM_001345991.2); c.886C>G, p.Leu296Val (NM_001345994.2); c.1960C>G, p.Leu654Val (NM_017733.5); short protein forms L151V, L296V, L319V, L529V, L565V, L573V, L654V, L662V.
Identifiers: ClinVar variation 3898593 (VCV003898593.7).